The following is an entry in ClinVar:

NM_145167.3(PIGM):c.443C>G (p.Ser148Cys)

Gene: PIGM (phosphatidylinositol glycan anchor biosynthesis class M; minus strand). Cytogenetic location: 1q23.2.
Variant type: single nucleotide variant.
Coding change: c.443C>G on transcript NM_145167.3 (MANE Select); coding-DNA position 443, C replaced by G.
Protein change: p.Ser148Cys; replaces serine 148 with cysteine.
Molecular consequence: missense variant.
Genome position (GRCh38, 1-based): chr1:160,031,297, G>C on the plus strand (C>G on the coding strand, the complement: PIGM is on the minus strand). VCF-style: chr1-160031297-G-C. GRCh37 (hg19) VCF-style: chr1-160001087-G-C.
Other names: short protein forms S148C.
Identifiers: ClinVar variation 2823850 (VCV002823850.3), dbSNP rs1234654430, ClinGen allele CA343242807.

ClinVar aggregate classification (germline): Uncertain significance (1 of 4 stars; one submission).

Conditions:
Hypercoagulability syndrome due to glycosylphosphatidylinositol deficiency (GPIBD1). Also called: GLYCOSYLPHOSPHATIDYLINOSITOL BIOSYNTHESIS DEFECT 1. Identifiers: Orphanet 83639, MedGen C5201145, MONDO:0012465, OMIM 610293.

Allele frequency attached by ClinVar (database versions not stated): gnomAD 0.00001.
gnomAD v4.1: 3 of 1,613,990 alleles (0.00019%); highest among the groups gnomAD compares: South Asian, 0.0022%; no homozygotes.

Submission:

Labcorp Genetics (formerly Invitae), Labcorp
Classification: Uncertain significance for Hypercoagulability syndrome due to glycosylphosphatidylinositol deficiency. Last evaluated: 2023-03-08. Review status: criteria provided, single submitter. Criteria: Invitae Variant Classification Sherloc (09022015). Collection method: clinical testing. Allele origin: germline.
Comment: In summary, the available evidence is currently insufficient to determine the role of this variant in disease. Therefore, it has been classified as a Variant of Uncertain Significance. Advanced modeling of protein sequence and biophysical properties (such as structural, functional, and spatial information, amino acid conservation, physicochemical variation, residue mobility, and thermodynamic stability) performed at Invitae indicates that this missense variant is not expected to disrupt PIGM protein function. This variant has not been reported in the literature in individuals affected with PIGM-related conditions. This variant is present in population databases (no rsID available, gnomAD 0.003%). This sequence change replaces serine, which is neutral and polar, with cysteine, which is neutral and slightly polar, at codon 148 of the PIGM protein (p.Ser148Cys).